The following is an entry in ClinVar:

NM_025103.4(IFT74):c.1581G>A (p.Glu527=)

Gene: IFT74 (intraflagellar transport 74; plus strand). Cytogenetic location: 9p21.2.
Variant type: single nucleotide variant.
Coding change: c.1581G>A on transcript NM_025103.4 (MANE Select); coding-DNA position 1581, G replaced by A.
Protein change: p.Glu527=; no amino-acid change (glutamic acid 527 retained).
Molecular consequence: synonymous variant.
Genome position (GRCh38, 1-based): chr9:27,056,417, G>A. VCF-style: chr9-27056417-G-A. GRCh37 (hg19) VCF-style: chr9-27056415-G-A.
Other names: c.1581G>A, p.Glu527= (NM_001099222.3, NM_001099223.3, NM_001349928.2); c.1581G>A (NM_025103.2).
Identifiers: ClinVar variation 2045847 (VCV002045847.6), dbSNP rs376968222, ClinGen allele CA5015705.
Genomic context (GRCh38, chr9:27,056,417, plus strand): 5'-ATTATCAACCCACAGAAATGCCTTTAAGAAAATAATGGAGAAGCAAAACATAGAGTATGA[G>A]GCACTAAAAACACAATTGCAAGAAAATGAGACACATTCTCAGGTAAAAAATGTTTTAAAT-3'
Protein context (NP_079379.2, residues 517-537): KIMEKQNIEY[Glu527=]ALKTQLQENE

ClinVar aggregate classification (germline): Likely benign. Review status: criteria provided, single submitter (1 of 4 stars). 2 submissions from 2 submitters: Likely benign (1). 1 of the submissions does not count toward it. Last evaluated 2025-04-28.

Conditions:
IFT74-related disorder. Also called: IFT74-Related Disorders; IFT74-related condition.

Allele frequency attached by ClinVar (database versions not stated): gnomAD 0.00003; ExAC 0.00004; TOPMed 0.00006; gnomAD exomes 0.00012; ESP Exome Variant Server 0.00025.
gnomAD v4.1: 170 of 1,599,986 alleles (0.011%); highest among the groups gnomAD compares: Non-Finnish European, 0.014%; no homozygotes.

Submissions (2):

Labcorp Genetics (formerly Invitae), Labcorp
Classification: Likely benign. Last evaluated: 2025-04-28. Review status: criteria provided, single submitter. Criteria: Invitae Variant Classification Sherloc (09022015). Collection method: clinical testing. Allele origin: germline.

PreventionGenetics, part of Exact Sciences
Classification: Likely benign for IFT74-related condition. Last evaluated: 2020-11-02. Review status: no assertion criteria provided. Collection method: clinical testing. Allele origin: germline. Not counted in ClinVar's aggregate classification.
Comment: This variant is classified as likely benign based on ACMG/AMP sequence variant interpretation guidelines (Richards et al. 2015 PMID: 25741868, with internal and published modifications).